The following is an entry in ClinVar:

NM_001365951.3(KIF1B):c.1957C>T (p.Pro653Ser)

Gene: KIF1B (kinesin family member 1B; plus strand). Cytogenetic location: 1p36.22.
Variant type: single nucleotide variant.
Coding change: c.1957C>T on transcript NM_001365951.3 (MANE Select); coding-DNA position 1957, C replaced by T.
Protein change: p.Pro653Ser; replaces proline 653 with serine.
Molecular consequence: missense variant.
Genome position (GRCh38, 1-based): chr1:10,296,992, C>T. VCF-style: chr1-10296992-C-T. GRCh37 (hg19) VCF-style: chr1-10357050-C-T.
Other names: c.1957C>T, p.Pro653Ser (NM_001365952.1); c.1819C>T, p.Pro607Ser (NM_001365953.1, NM_015074.3, NM_183416.4); short protein forms P653S, P607S.
Identifiers: ClinVar variation 2563661 (VCV002563661.2), dbSNP rs2521402566, ClinGen allele CA338316946.
Genomic context (GRCh38, chr1:10,296,992, plus strand): 5'-CGCTTTAACCACCCGGAACAAGCACGAGCTGAGCGAGAGAAGACTCCTTCTGCTGAGACC[C>T]CCTCTGAGCCTGTGGACTGGACATTTGCCCAGAGGGAGCTTCTGGAAAAACAAGGAATTG-3'
Protein context (NP_001352880.1, residues 643-663): EREKTPSAET[Pro653Ser]SEPVDWTFAQ

ClinVar aggregate classification (germline): Uncertain significance (1 of 4 stars; one submission).

Submission:

Ambry Genetics
Classification: Uncertain significance. Last evaluated: 2023-06-09. Review status: criteria provided, single submitter. Criteria: Ambry Variant Classification Scheme 2023. Collection method: clinical testing. Allele origin: germline.
Comment: The p.P607S variant (also known as c.1819C>T), located in coding exon 18 of the KIF1B gene, results from a C to T substitution at nucleotide position 1819. The proline at codon 607 is replaced by serine, an amino acid with similar properties. This amino acid position is conserved. In addition, the in silico prediction for this alteration is inconclusive. Since supporting evidence is limited at this time, the clinical significance of this alteration remains unclear.